The following is an entry in ClinVar:

NM_000214.3(JAG1):c.2298T>C (p.Phe766=)

Gene: JAG1 (jagged canonical Notch ligand 1; minus strand). Cytogenetic location: 20p12.2.
Variant type: single nucleotide variant.
Coding change: c.2298T>C on transcript NM_000214.3 (MANE Select); coding-DNA position 2298, T replaced by C.
Protein change: p.Phe766=; no amino-acid change (phenylalanine 766 retained).
Molecular consequence: synonymous variant.
Genome position (GRCh38, 1-based): chr20:10,644,909, A>G on the plus strand (T>C on the coding strand, the complement: JAG1 is on the minus strand). VCF-style: chr20-10644909-A-G. GRCh37 (hg19) VCF-style: chr20-10625557-A-G.
Other names: c.2298T>C, p.Phe766= (LRG_1191t1).
Identifiers: ClinVar variation 290897 (VCV000290897.18), dbSNP rs771544217, ClinGen allele CA9764563.

ClinVar aggregate classification (germline): Conflicting classifications of pathogenicity. Review status: criteria provided, conflicting classifications (1 of 4 stars). 4 submissions from 4 submitters: Uncertain significance (1); Likely benign (2). 1 of the submissions does not count toward it. Last evaluated 2024-01-19.

Conditions:
JAG1-related disorder. Also called: JAG1-related condition; JAG1-related disorders.
Cardiovascular phenotype. Identifiers: MedGen CN230736.
Alagille syndrome due to a JAG1 point mutation. Also called: HEPATIC DUCTULAR HYPOPLASIA, SYNDROMATIC; JAG1-Related Alagille Syndrome; Alagille Syndrome 1. Identifiers: Orphanet 261619, Orphanet 52, MedGen C1956125, MONDO:0016862, OMIM 118450.

Allele frequency attached by ClinVar (database versions not stated): ExAC 0.00001; gnomAD 0.00005 and 0.00006; gnomAD exomes below 0.00001 and 0.00001; TOPMed 0.00007.
gnomAD v4.1: 22 of 1,613,968 alleles (0.0014%); highest among the groups gnomAD compares: African/African-American, 0.015%; no homozygotes.

Submissions (4):

Labcorp Genetics (formerly Invitae), Labcorp
Classification: Likely benign for Alagille syndrome due to a JAG1 point mutation. Last evaluated: 2024-01-19. Review status: criteria provided, single submitter. Criteria: Invitae Variant Classification Sherloc (09022015). Collection method: clinical testing. Allele origin: germline.

Ambry Genetics
Classification: Likely benign for Cardiovascular phenotype. Last evaluated: 2023-01-30. Review status: criteria provided, single submitter. Criteria: Ambry Variant Classification Scheme 2023. Collection method: clinical testing. Allele origin: germline.

Eurofins Ntd Llc (ga)
Classification: Uncertain significance. Last evaluated: 2016-08-26. Review status: criteria provided, single submitter. Criteria: EGL Classification Definitions 2015. Collection method: clinical testing. Allele origin: germline. Observed: 1 variant allele, 1 heterozygote.

PreventionGenetics, part of Exact Sciences
Classification: Likely benign for JAG1-related condition. Last evaluated: 2021-08-02. Review status: no assertion criteria provided. Collection method: clinical testing. Allele origin: germline. Not counted in ClinVar's aggregate classification.
Comment: This variant is classified as likely benign based on ACMG/AMP sequence variant interpretation guidelines (Richards et al. 2015 PMID: 25741868, with internal and published modifications).